The following is an entry in ClinVar:

NM_000316.3(PTH1R):c.1234del (p.Val412fs)

Gene: PTH1R (parathyroid hormone 1 receptor; plus strand). Cytogenetic location: 3p21.31.
Variant type: Deletion.
Coding change: c.1234del on transcript NM_000316.3 (MANE Select); coding-DNA position 1234, one base deleted (G; older notation c.1234delG).
Protein change: p.Val412fs; shifts the reading frame from valine 412.
Molecular consequence: frameshift variant.
Genome position (GRCh38, 1-based): chr3:46,902,548, G deleted; the last of 2 consecutive G bases (chr3:46,902,547-46,902,548); deleting either gives the same sequence. VCF-style (leftmost placement, unchanged base first): chr3-46902546-TG-T. GRCh37 (hg19) VCF-style: chr3-46944036-TG-T.
Other names: c.1234del, p.Val412fs (NM_001184744.1); short protein forms V412fs.
Identifiers: ClinVar variation 4819124 (VCV004819124.1).

ClinVar aggregate classification (germline): Pathogenic (1 of 4 stars; one submission).

Conditions:
Primary failure of tooth eruption. Also called: DENTAL NONERUPTION; PRIMARY RETENTION OF TEETH; UNERUPTED SECOND PRIMARY MOLAR; POSTERIOR OPENBITE MALOCCLUSION, FAMILIAL. Identifiers: Orphanet 412206, MedGen C1852222, MONDO:0007434, OMIM 125350.

Submission:

Institute of Human Genetics, University of Leipzig Medical Center
Classification: Pathogenic for Primary failure of tooth eruption. Last evaluated: 2026-02-25. Review status: criteria provided, single submitter. Criteria: ACMG Guidelines, 2015. Collection method: clinical testing. Allele origin: unknown. Inheritance: Autosomal dominant inheritance. Affected: yes.
Comment: Criteria applied: PVS1,PM2